The following is an entry in ClinVar:

NM_001271696.3(ABCB7):c.246G>T (p.Lys82Asn)

Gene: ABCB7 (ATP binding cassette subfamily B member 7; minus strand). Cytogenetic location: Xq13.3.
Variant type: single nucleotide variant.
Coding change: c.246G>T on transcript NM_001271696.3 (MANE Select); coding-DNA position 246, G replaced by T.
Protein change: p.Lys82Asn; replaces lysine 82 with asparagine.
Molecular consequence: missense variant. On other transcripts: intron variant (1).
Genome position (GRCh38, 1-based): chrX:75,114,754, C>A on the plus strand (G>T on the coding strand, the complement: ABCB7 is on the minus strand). VCF-style: chrX-75114754-C-A. GRCh37 (hg19) VCF-style: chrX-74334589-C-A.
Other names: c.246G>T, p.Lys82Asn (NM_001271697.3); c.249G>T, p.Lys83Asn (NM_001271699.3, NM_004299.6); c.169-1782G>T (NM_001271698.3); short protein forms K82N, K83N.
Identifiers: ClinVar variation 3621344 (VCV003621344.2).

ClinVar aggregate classification (germline): Uncertain significance (1 of 4 stars; one submission).

Submission:

Labcorp Genetics (formerly Invitae), Labcorp
Classification: Uncertain significance. Last evaluated: 2025-10-19. Review status: criteria provided, single submitter. Criteria: Invitae Variant Classification Sherloc (09022015). Collection method: clinical testing. Allele origin: germline.
Comment: This sequence change replaces lysine, which is basic and polar, with asparagine, which is neutral and polar, at codon 83 of the ABCB7 protein (p.Lys83Asn). This variant also falls at the last nucleotide of exon 2, which is part of the consensus splice site for this exon. This variant is not present in population databases (gnomAD no frequency). This variant has not been reported in the literature in individuals affected with ABCB7-related conditions. ClinVar contains an entry for this variant (Variation ID: 3621344). An algorithm developed to predict the effect of missense changes on protein structure and function (PolyPhen-2) suggests that this variant is likely to be tolerated. Variants that disrupt the consensus splice site are a relatively common cause of aberrant splicing (PMID: 17576681, 9536098). Algorithms developed to predict the effect of sequence changes on RNA splicing suggest that this variant may disrupt the consensus splice site. In summary, the available evidence is currently insufficient to determine the role of this variant in disease. Therefore, it has been classified as a Variant of Uncertain Significance.

Literature cited by the submitters: PubMed 17576681; PubMed 9536098.